The following is an entry in ClinVar:

ClinVar aggregate classification (germline): Uncertain significance. Review status: criteria provided, multiple submitters, no conflicts (2 of 4 stars). 3 submissions from 3 submitters: Uncertain significance (2). 1 of the submissions does not count toward it. Last evaluated 2025-11-13.

Allele frequency attached by ClinVar (database versions not stated): gnomAD 0.00003; TOPMed 0.00003; ExAC 0.00007.

Submissions (3):

Labcorp Genetics (formerly Invitae), Labcorp
Classification: Uncertain significance. Last evaluated: 2025-11-13. Review status: criteria provided, single submitter. Criteria: Invitae Variant Classification Sherloc (09022015). Collection method: clinical testing. Allele origin: germline.
Comment: This sequence change replaces arginine, which is basic and polar, with glutamine, which is neutral and polar, at codon 202 of the GATA5 protein (p.Arg202Gln). This variant is present in population databases (rs782614097, gnomAD 0.005%). This missense change has been observed in individual(s) with congenital heart defects (PMID: 28180938, 30229885). ClinVar contains an entry for this variant (Variation ID: 1050704). Invitae Evidence Modeling of protein sequence and biophysical properties (such as structural, functional, and spatial information, amino acid conservation, physicochemical variation, residue mobility, and thermodynamic stability) indicates that this missense variant is expected to disrupt GATA5 protein function with a positive predictive value of 80%. Experimental studies have shown that this missense change affects GATA5 function (PMID: 28180938). In summary, the available evidence is currently insufficient to determine the role of this variant in disease. Therefore, it has been classified as a Variant of Uncertain Significance.

GeneDx
Classification: Uncertain significance. Last evaluated: 2023-06-29. Review status: criteria provided, single submitter. Criteria: GeneDx Variant Classification Process June 2021. Collection method: clinical testing. Allele origin: germline. Affected: yes.
Comment: Reported in a child with atrial and ventricular septal defects who presented with additional clinical findings; the variant was also present in the unaffected mother and unaffected sibling (Hempel et al., 2017); Identified in an adult with a bicuspid aortic valve (Alonso-Montes et al., 2018); Published functional studies suggest reduced protein function (Hempel et al., 2017); In silico analysis supports that this missense variant has a deleterious effect on protein structure/function; This variant is associated with the following publications: (PMID: 28180938, 30229885, 25449525)

Department of Pathology and Laboratory Medicine, Sinai Health System
Classification: Uncertain significance. Review status: no assertion criteria provided. Collection method: clinical testing. Allele origin: unknown. Affected: yes. Study: The Canadian Open Genetics Repository (COGR). Not counted in ClinVar's aggregate classification.
Comment: Functional data demonstrated that the p.S19W and p.R202Q variants both failed to rescue the cardia bifida phenotype in a zebrafish model deficient in GATA5 (Hempel_2017_PMID:28180938). The variant was identified in dbSNP (ID: rs782614097) but was not identified in ClinVar. The variant was identified in control databases in 6 of 242468 chromosomes at a frequency of 0.00002475 (Genome Aggregation Database March 6, 2019, v2.1.1). The variant was observed in the European (non-Finnish) population in 6 of 109190 chromosomes (freq: 0.000055), but was not observed in the African, Latino, Ashkenazi Jewish, East Asian, European (Finnish), Other, or South Asian populations. The p.Arg202 residue is conserved in mammals and computational analyses (PolyPhen-2, SIFT, AlignGVGD, BLOSUM, MutationTaster) provide inconsistent predictions regarding the impact to the protein; this information is not very predictive of pathogenicity. The variant occurs outside of the splicing consensus sequence and in silico or computational prediction software programs (SpliceSiteFinder, MaxEntScan, NNSPLICE, GeneSplicer) do not predict a difference in splicing. In summary, based on the above information the clinical significance of this variant cannot be determined with certainty at this time. This variant is classified as a variant of uncertain significance.

Literature cited by the submitters: PubMed 28180938 (cited by Labcorp Genetics (formerly Invitae), Labcorp); PubMed 30229885 (cited by Labcorp Genetics (formerly Invitae), Labcorp).

NM_080473.5(GATA5):c.605G>A (p.Arg202Gln)

Gene: GATA5 (GATA binding protein 5; minus strand). Cytogenetic location: 20q13.33.
Variant type: single nucleotide variant.
Coding change: c.605G>A on transcript NM_080473.5 (MANE Select); coding-DNA position 605, G replaced by A.
Protein change: p.Arg202Gln; replaces arginine 202 with glutamine.
Molecular consequence: missense variant.
Genome position (GRCh38, 1-based): chr20:62,473,497, C>T on the plus strand (G>A on the coding strand, the complement: GATA5 is on the minus strand). VCF-style: chr20-62473497-C-T. GRCh37 (hg19) VCF-style: chr20-61048553-C-T.
Other names: c.605G>A (NM_080473.4); short protein forms R202Q.
Identifiers: ClinVar variation 1050704 (VCV001050704.8), dbSNP rs782614097, ClinGen allele CA9946270.